The following is an entry in ClinVar:

NM_033305.3(VPS13A):c.2903dup (p.Ala969fs)

Gene: VPS13A (vacuolar protein sorting 13 homolog A; plus strand). Cytogenetic location: 9q21.2.
Variant type: Duplication.
Coding change: c.2903dup on transcript NM_033305.3 (MANE Select); coding-DNA position 2903, one base duplicated (A; older notation c.2903dupA).
Protein change: p.Ala969fs; shifts the reading frame from alanine 969.
Molecular consequence: frameshift variant.
Genome position (GRCh38, 1-based): chr9:77,280,237, A duplicated; the last of 3 consecutive A bases (chr9:77,280,235-77,280,237); duplicating any one gives the same sequence. VCF-style (leftmost placement, unchanged base first): chr9-77280234-T-TA. GRCh37 (hg19) VCF-style: chr9-79895150-T-TA.
Other names: c.2903dup, p.Ala969fs (NM_001018037.2, NM_001018038.3, NM_015186.4); c.2903dupA (NM_033305.2); short protein forms A969fs.
Identifiers: ClinVar variation 1968626 (VCV001968626.6), dbSNP rs1826940302, ClinGen allele CA1857180098.

ClinVar aggregate classification (germline): Pathogenic/Likely pathogenic. Review status: criteria provided, multiple submitters, no conflicts (2 of 4 stars). 2 submissions from 2 submitters: Pathogenic (1); Likely pathogenic (1). Last evaluated 2024-02-22.

Conditions:
VPS13A-related neurodegenerative disease. Also called: Choreoacanthocytosis; Chorea-acanthocytosis; VPS13A Disease; LEVINE-CRITCHLEY SYNDROME; ACANTHOCYTOSIS WITH NEUROLOGIC DISORDER; Choreaacanthocytosis. Identifiers: Orphanet 2388, MedGen C0393576, MONDO:0008695, OMIM 200150.

Submissions (2):

Natera, Inc.
Classification: Likely pathogenic for Choreaacanthocytosis. Last evaluated: 2024-02-22. Review status: criteria provided, single submitter. Criteria: Natera Variant Classification Schema (03/2026). Collection method: clinical testing. Allele origin: germline.
Comment: The c.2903dupA variant in VPS13A is a frameshift variant predicted to shift the reading frame beginning at codon 969 and leads to a stop codon 2 codons downstream. This variant is expected to result in nonsense mediated decay, truncation, or a dysfunctional protein product. This variant is rare in the general population with a frequency below the threshold expected for the associated phenotype(s). Given the available evidence, this variant is classified as Likely Pathogenic.

Labcorp Genetics (formerly Invitae), Labcorp
Classification: Pathogenic. Last evaluated: 2022-04-16. Review status: criteria provided, single submitter. Criteria: Invitae Variant Classification Sherloc (09022015). Collection method: clinical testing. Allele origin: germline.
Comment: For these reasons, this variant has been classified as Pathogenic. This variant has not been reported in the literature in individuals affected with VPS13A-related conditions. This variant is not present in population databases (gnomAD no frequency). This sequence change creates a premature translational stop signal (p.Ala969Glyfs*2) in the VPS13A gene. It is expected to result in an absent or disrupted protein product. Loss-of-function variants in VPS13A are known to be pathogenic (PMID: 12404112, 21598378).

Literature cited by the submitters: PubMed 12404112 (cited by Labcorp Genetics (formerly Invitae), Labcorp); PubMed 21598378 (cited by Labcorp Genetics (formerly Invitae), Labcorp).